The following is an entry in ClinVar:

ClinVar aggregate classification (germline): Uncertain significance (1 of 4 stars; one submission).

Submission:

Labcorp Genetics (formerly Invitae), Labcorp
Classification: Uncertain significance. Last evaluated: 2022-08-05. Review status: criteria provided, single submitter. Criteria: Invitae Variant Classification Sherloc (09022015). Collection method: clinical testing. Allele origin: germline.
Comment: This variant, c.3939_3941del, results in the deletion of 1 amino acid(s) of the SBF1 protein (p.Ser1314del), but otherwise preserves the integrity of the reading frame. In summary, the available evidence is currently insufficient to determine the role of this variant in disease. Therefore, it has been classified as a Variant of Uncertain Significance. Experimental studies and prediction algorithms are not available or were not evaluated, and the functional significance of this variant is currently unknown. This variant has not been reported in the literature in individuals affected with SBF1-related conditions. This variant is present in population databases (no rsID available, gnomAD 0.005%).

NM_002972.4(SBF1):c.3936CAG[1] (p.Ser1314del)

Gene: SBF1 (SET binding factor 1; minus strand). Cytogenetic location: 22q13.33.
Variant type: Microsatellite.
Coding change: c.3936CAG[1] on transcript NM_002972.4 (MANE Select); one copy of the 3-base unit CAG starting at c.3936; the reference has two copies in a row; one copy, 3 bases deleted.
Protein change: p.Ser1314del; deletes serine 1314.
Molecular consequence: inframe deletion. On other transcripts: inframe indel (3).
Genome position (GRCh38, 1-based): chr22:50,456,637-50,456,639, CTG deleted on the plus strand (CAG on the coding strand, the reverse complement: SBF1 is on the minus strand); deleting any 3 consecutive bases within chr22:50,456,637-50,456,643 gives the same sequence; the position shown is the placement nearest the transcript's 3' end. VCF-style (leftmost placement, unchanged base first): chr22-50456636-ACTG-A. GRCh37 (hg19) VCF-style: chr22-50895065-ACTG-A.
Other names: c.3861CAG[1], p.Ser1289del (NM_001365819.1); c.3938_3940GCA[1], p.Ser1315del (NM_001410794.1); c.3857_3859GCA[1], p.Ser1288del (NM_001410795.1); c.3935_3937GCA[1], p.Ser1314del (NM_197971.1); short protein forms S1315del, S1288del, S1289del, S1314del.
Identifiers: ClinVar variation 2050762 (VCV002050762.4), dbSNP rs1275912700, ClinGen allele CA640048406.